The following is an entry in ClinVar:

ClinVar aggregate classification (germline): Uncertain significance (1 of 4 stars; one submission).

Submission:

GeneDx
Classification: Uncertain significance. Last evaluated: 2024-04-04. Review status: criteria provided, single submitter. Criteria: GeneDx Variant Classification Process June 2021. Collection method: clinical testing. Allele origin: germline. Affected: yes.
Comment: Not observed at significant frequency in large population cohorts (gnomAD); In silico analysis indicates that this missense variant does not alter protein structure/function; Has not been previously published as pathogenic or benign to our knowledge

NM_021964.3(ZNF148):c.2194C>T (p.Pro732Ser)

Genes: ZNF148 (zinc finger protein 148; minus strand), LOC126806798 (P300/CBP strongly-dependent group 1 enhancer GRCh37_chr3:124950809-124952008; plus strand). Cytogenetic location: 3q21.2.
Variant type: single nucleotide variant.
Coding change: c.2194C>T on transcript NM_021964.3 (MANE Select); coding-DNA position 2194, C replaced by T.
Protein change: p.Pro732Ser; replaces proline 732 with serine.
Molecular consequence: missense variant.
Genome position (GRCh38, 1-based): chr3:125,232,532, G>A on the plus strand (C>T on the coding strand, the complement: ZNF148 is on the minus strand). VCF-style: chr3-125232532-G-A. GRCh37 (hg19) VCF-style: chr3-124951376-G-A.
Other names: c.2194C>T, p.Pro732Ser (NM_001348424.1, NM_001348425.2, NM_001348426.2 and 7 more transcripts); c.2068C>T, p.Pro690Ser (NM_001348434.2); short protein forms P690S, P732S.
Identifiers: ClinVar variation 3372073 (VCV003372073.1).